The following is an entry in ClinVar:

ClinVar aggregate classification (germline): Uncertain significance. Review status: criteria provided, multiple submitters, no conflicts (2 of 4 stars). 3 submissions from 3 submitters: Uncertain significance (3). Last evaluated 2025-05-06.

Conditions:
Bifunctional peroxisomal enzyme deficiency (DBIF). Also called: D-bifunctional protein deficiency; PBFE DEFICIENCY; DBP DEFICIENCY. Identifiers: Orphanet 300, MedGen C0342870, MONDO:0009855, OMIM 261515. Disease mechanism: loss of function.
Perrault syndrome. Also called: Gonadal dysgenesis with auditory dysfunction, autosomal recessive inheritance. Identifiers: Orphanet 2855, MedGen C0685838, MONDO:0017312.
Inborn genetic diseases. Identifiers: MedGen C0950123, MeSH D030342.
HSD17B4-related disorder. Also called: HSD17B4-related disorders; HSD17B4-related condition.

Allele frequency attached by ClinVar (database versions not stated): ExAC 0.00002; gnomAD exomes 0.00002; TOPMed 0.00004; gnomAD 0.00005; ESP Exome Variant Server 0.00008.
gnomAD v4.1: 24 of 1,613,296 alleles (0.0015%); highest among the groups gnomAD compares: Admixed American, 0.013%; no homozygotes.

Submissions (3):

PreventionGenetics, part of Exact Sciences
Classification: Uncertain significance for HSD17B4-related condition. Last evaluated: 2025-05-06. Review status: criteria provided, single submitter. Criteria: ACMG Guidelines, 2015. Collection method: clinical testing. Allele origin: germline.
Comment: The HSD17B4 c.1000C>G variant is predicted to result in the amino acid substitution p.Pro334Ala. To our knowledge, this variant has not been reported in the literature. This variant is reported in 0.0056% of alleles in individuals of Latino descent in gnomAD. At this time, the clinical significance of this variant is uncertain due to the absence of conclusive functional and genetic evidence.

Labcorp Genetics (formerly Invitae), Labcorp
Classification: Uncertain significance for Perrault syndrome; Bifunctional peroxisomal enzyme deficiency. Last evaluated: 2022-03-18. Review status: criteria provided, single submitter. Criteria: Invitae Variant Classification Sherloc (09022015). Collection method: clinical testing. Allele origin: germline.
Comment: This sequence change replaces proline, which is neutral and non-polar, with alanine, which is neutral and non-polar, at codon 334 of the HSD17B4 protein (p.Pro334Ala). This variant is present in population databases (rs143750360, gnomAD 0.006%). This variant has not been reported in the literature in individuals affected with HSD17B4-related conditions. Advanced modeling of protein sequence and biophysical properties (such as structural, functional, and spatial information, amino acid conservation, physicochemical variation, residue mobility, and thermodynamic stability) performed at Invitae indicates that this missense variant is not expected to disrupt HSD17B4 protein function. In summary, the available evidence is currently insufficient to determine the role of this variant in disease. Therefore, it has been classified as a Variant of Uncertain Significance.

Ambry Genetics
Classification: Uncertain significance for Inborn genetic diseases. Last evaluated: 2021-09-30. Review status: criteria provided, single submitter. Criteria: Ambry Variant Classification Scheme 2023. Collection method: clinical testing. Allele origin: germline.

NM_000414.4(HSD17B4):c.1000C>G (p.Pro334Ala)

Gene: HSD17B4 (hydroxysteroid 17-beta dehydrogenase 4; plus strand). Cytogenetic location: 5q23.1.
Variant type: single nucleotide variant.
Coding change: c.1000C>G on transcript NM_000414.4 (MANE Select); coding-DNA position 1000, C replaced by G.
Protein change: p.Pro334Ala; replaces proline 334 with alanine.
Molecular consequence: missense variant. On other transcripts: non-coding transcript variant (2).
Genome position (GRCh38, 1-based): chr5:119,499,344, C>G. VCF-style: chr5-119499344-C-G. GRCh37 (hg19) VCF-style: chr5-118835039-C-G.
Other names: c.1075C>G, p.Pro359Ala (NM_001199291.3); c.946C>G, p.Pro316Ala (NM_001199292.2); c.928C>G, p.Pro310Ala (NM_001292027.2); c.580C>G, p.Pro194Ala (NM_001292028.2); c.991C>G, p.Pro331Ala (NM_001374497.1); c.1000C>G, p.Pro334Ala (NM_001374498.1); c.673C>G, p.Pro225Ala (NM_001374499.1); c.559C>G, p.Pro187Ala (NM_001374500.1); and 2 more; short protein forms P225A, P310A, P359A, P194A, P197A, P316A, P331A, P187A.
Identifiers: ClinVar variation 1402038 (VCV001402038.5), dbSNP rs143750360, ClinGen allele CA3382075.